The following is an entry in ClinVar:

ClinVar aggregate classification (germline): Uncertain significance. Review status: criteria provided, multiple submitters, no conflicts (2 of 4 stars). 2 submissions from 2 submitters: Uncertain significance (2). Last evaluated 2025-07-23.

Conditions:
Hypertrophic cardiomyopathy. Also called: HYPERTROPHIC MYOCARDIOPATHY. Identifiers: Orphanet 217569, MedGen C0007194, MeSH D002312, MONDO:0005045, HP:0001639.

Allele frequency attached by ClinVar (database versions not stated): TOPMed 0.00001.
gnomAD v4.1: 29 of 1,613,724 alleles (0.0018%); highest among the groups gnomAD compares: Middle Eastern, 0.016%; no homozygotes.

Submissions (2):

Labcorp Genetics (formerly Invitae), Labcorp
Classification: Uncertain significance for Hypertrophic cardiomyopathy. Last evaluated: 2025-07-23. Review status: criteria provided, single submitter. Criteria: Invitae Variant Classification Sherloc (09022015). Collection method: clinical testing. Allele origin: germline.
Comment: This sequence change replaces threonine, which is neutral and polar, with methionine, which is neutral and non-polar, at codon 1315 of the MYOM1 protein (p.Thr1315Met). This variant is present in population databases (rs748195985, gnomAD 0.04%). This variant has not been reported in the literature in individuals affected with MYOM1-related conditions. ClinVar contains an entry for this variant (Variation ID: 1041207). Invitae Evidence Modeling of protein sequence and biophysical properties (such as structural, functional, and spatial information, amino acid conservation, physicochemical variation, residue mobility, and thermodynamic stability) has been performed for this missense variant. However, the output from this modeling did not meet the statistical confidence thresholds required to predict the impact of this variant on MYOM1 protein function. In summary, the available evidence is currently insufficient to determine the role of this variant in disease. Therefore, it has been classified as a Variant of Uncertain Significance.

Ambry Genetics
Classification: Uncertain significance. Last evaluated: 2022-07-26. Review status: criteria provided, single submitter. Criteria: Ambry Variant Classification Scheme 2023. Collection method: clinical testing. Allele origin: germline.

NM_003803.4(MYOM1):c.3944C>T (p.Thr1315Met)

Gene: MYOM1 (myomesin 1; minus strand). Cytogenetic location: 18p11.31.
Variant type: single nucleotide variant.
Coding change: c.3944C>T on transcript NM_003803.4 (MANE Select); coding-DNA position 3944, C replaced by T.
Protein change: p.Thr1315Met; replaces threonine 1315 with methionine.
Molecular consequence: missense variant.
Genome position (GRCh38, 1-based): chr18:3,090,723, G>A on the plus strand (C>T on the coding strand, the complement: MYOM1 is on the minus strand). VCF-style: chr18-3090723-G-A. GRCh37 (hg19) VCF-style: chr18-3090721-G-A.
Other names: c.3656C>T, p.Thr1219Met (NM_019856.2); c.3944C>T (NM_003803.3); short protein forms T1219M, T1315M.
Identifiers: ClinVar variation 1041207 (VCV001041207.9), dbSNP rs748195985, ClinGen allele CA8874116.